The following is an entry in ClinVar:

ClinVar aggregate classification (germline): Uncertain significance (1 of 4 stars; one submission).

Allele frequency attached by ClinVar (database versions not stated): gnomAD exomes below 0.00001.

Submission:

Labcorp Genetics (formerly Invitae), Labcorp
Classification: Uncertain significance. Last evaluated: 2023-02-16. Review status: criteria provided, single submitter. Criteria: Invitae Variant Classification Sherloc (09022015). Collection method: clinical testing. Allele origin: germline.
Comment: This sequence change replaces serine, which is neutral and polar, with proline, which is neutral and non-polar, at codon 258 of the ATRIP protein (p.Ser258Pro). This variant is not present in population databases (gnomAD no frequency). This variant has not been reported in the literature in individuals affected with ATRIP-related conditions. Algorithms developed to predict the effect of missense changes on protein structure and function output the following: SIFT: "Not Available"; PolyPhen-2: "Probably Damaging"; Align-GVGD: "Not Available". The proline amino acid residue is found in multiple mammalian species, which suggests that this missense change does not adversely affect protein function. In summary, the available evidence is currently insufficient to determine the role of this variant in disease. Therefore, it has been classified as a Variant of Uncertain Significance.

NM_130384.3(ATRIP):c.772T>C (p.Ser258Pro)

Genes: ATRIP (ATR interacting protein; plus strand), ATRIP-TREX1 (ATRIP-TREX1 readthrough; plus strand). Cytogenetic location: 3p21.31.
Variant type: single nucleotide variant.
Coding change: c.772T>C on transcript NM_130384.3 (MANE Select); coding-DNA position 772, T replaced by C.
Protein change: p.Ser258Pro; replaces serine 258 with proline.
Molecular consequence: missense variant. On other transcripts: non-coding transcript variant (1).
Genome position (GRCh38, 1-based): chr3:48,457,359, T>C. VCF-style: chr3-48457359-T-C. GRCh37 (hg19) VCF-style: chr3-48498759-T-C.
Other names: c.391T>C, p.Ser131Pro (NM_001271022.2); c.493T>C, p.Ser165Pro (NM_001271023.2); c.772T>C, p.Ser258Pro (NM_032166.4); short protein forms S165P, S131P, S258P.
Identifiers: ClinVar variation 2805745 (VCV002805745.3), dbSNP rs2529970116, ClinGen allele CA352716197.